The following is an entry in ClinVar:

NM_173354.5(SIK1):c.691A>G (p.Thr231Ala)

Gene: SIK1 (salt inducible kinase 1; minus strand). Cytogenetic location: 21q22.3.
Variant type: single nucleotide variant.
Coding change: c.691A>G on transcript NM_173354.5 (MANE Select); coding-DNA position 691, A replaced by G.
Protein change: p.Thr231Ala; replaces threonine 231 with alanine.
Molecular consequence: missense variant.
Genome position (GRCh38, 1-based): chr21:43,421,067, T>C on the plus strand (A>G on the coding strand, the complement: SIK1 is on the minus strand). VCF-style: chr21-43421067-T-C. GRCh37 (hg19) VCF-style: chr21-44840947-T-C.
Other names: c.691A>G (NM_173354.3); short protein forms T231A.
Identifiers: ClinVar variation 1475064 (VCV001475064.11), dbSNP rs745825829, ClinGen allele CA321327432.
Genomic context (GRCh38, chr21:43,421,067, plus strand): 5'-CACCTTGAGACATGAAGAAGGGGATGCGGAAGCGGCCCTCCAGCACCCGCTGTCTCAGCG[T>C]CGGCAGGTTAGGCCCATCGAAGGGGAGAGAACCGCAGACCAGGACGTACAGCACCACGCC-3'
Protein context (NP_775490.2, residues 221-241): SLPFDGPNLP[Thr231Ala]LRQRVLEGRF

ClinVar aggregate classification (germline): Conflicting classifications of pathogenicity. Review status: criteria provided, conflicting classifications (1 of 4 stars). 3 submissions from 3 submitters: Uncertain significance (2); Likely benign (1). Last evaluated 2025-07-01.

Conditions:
Inborn genetic diseases. Identifiers: MedGen C0950123, MeSH D030342.
Developmental and epileptic encephalopathy, 30 (DEE30). Also called: Epileptic encephalopathy, early infantile, 30. Identifiers: MedGen C4225360, MONDO:0014595, OMIM 616341.

Allele frequency attached by ClinVar (database versions not stated): gnomAD exomes 0.00001; ExAC 0.00002.

Submissions (3):

Women's Health and Genetics/Laboratory Corporation of America, LabCorp
Classification: Uncertain significance. Last evaluated: 2025-07-01. Review status: criteria provided, single submitter. Criteria: LabCorp Variant Classification Summary - May 2015. Collection method: clinical testing. Allele origin: germline.
Comment: Variant summary: SIK1 c.691A>G (p.Thr231Ala) results in a non-conservative amino acid change in the encoded protein sequence. Algorithms developed to predict the effect of missense changes on protein structure and function are either unavailable or do not agree on the potential impact of this missense change. The variant allele was found at a frequency of 8.1e-06 in 247628 control chromosomes. The available data on variant occurrences in the general population are insufficient to allow any conclusion about variant significance. To our knowledge, no occurrence of c.691A>G in individuals affected with Developmental And Epileptic Encephalopathy, 30 and no experimental evidence demonstrating its impact on protein function have been reported. ClinVar contains an entry for this variant (Variation ID: 1475064). Based on the evidence outlined above, the variant was classified as uncertain significance.

Labcorp Genetics (formerly Invitae), Labcorp
Classification: Uncertain significance for Developmental and epileptic encephalopathy, 30. Last evaluated: 2024-09-06. Review status: criteria provided, single submitter. Criteria: Invitae Variant Classification Sherloc (09022015). Collection method: clinical testing. Allele origin: germline.
Comment: This sequence change replaces threonine, which is neutral and polar, with alanine, which is neutral and non-polar, at codon 231 of the SIK1 protein (p.Thr231Ala). This variant is present in population databases (rs745825829, gnomAD 0.003%). This variant has not been reported in the literature in individuals affected with SIK1-related conditions. ClinVar contains an entry for this variant (Variation ID: 1475064). Invitae Evidence Modeling of protein sequence and biophysical properties (such as structural, functional, and spatial information, amino acid conservation, physicochemical variation, residue mobility, and thermodynamic stability) indicates that this missense variant is not expected to disrupt SIK1 protein function with a negative predictive value of 95%. In summary, the available evidence is currently insufficient to determine the role of this variant in disease. Therefore, it has been classified as a Variant of Uncertain Significance.

Ambry Genetics
Classification: Likely benign for Inborn genetic diseases. Last evaluated: 2022-06-06. Review status: criteria provided, single submitter. Criteria: Ambry Variant Classification Scheme 2023. Collection method: clinical testing. Allele origin: germline.